The following is an entry in ClinVar:

ClinVar aggregate classification (germline): Uncertain significance (1 of 4 stars; one submission).

Conditions:
Ataxia-telangiectasia syndrome (AT). Also called: ATAXIA-TELANGIECTASIA, COMPLEMENTATION GROUP A; ATAXIA-TELANGIECTASIA, FRESNO VARIANT; Ataxia-telangiectasia, complementation group D; AT, COMPLEMENTATION GROUP C; Cerebello-oculocutaneous telangiectasia; Immunodeficiency with ataxia telangiectasia. Identifiers: Orphanet 100, MedGen C0004135, MONDO:0008840, OMIM 208900.

Submission:

Labcorp Genetics (formerly Invitae), Labcorp
Classification: Uncertain significance for Ataxia-telangiectasia syndrome. Last evaluated: 2020-04-12. Review status: criteria provided, single submitter. Criteria: Invitae Variant Classification Sherloc (09022015). Collection method: clinical testing. Allele origin: germline.
Comment: Algorithms developed to predict the effect of sequence changes on RNA splicing suggest that this variant may create or strengthen a splice site, but this prediction has not been confirmed by published transcriptional studies. Algorithms developed to predict the effect of missense changes on protein structure and function output the following: SIFT: "Tolerated"; PolyPhen-2: "Benign"; Align-GVGD: "Class C0". The valine amino acid residue is found in multiple mammalian species, suggesting that this missense change does not adversely affect protein function. These predictions have not been confirmed by published functional studies and their clinical significance is uncertain. This variant has not been reported in the literature in individuals with ATM-related conditions. This variant is not present in population databases (ExAC no frequency). This sequence change replaces alanine with valine at codon 416 of the ATM protein (p.Ala416Val). The alanine residue is weakly conserved and there is a small physicochemical difference between alanine and valine. In summary, the available evidence is currently insufficient to determine the role of this variant in disease. Therefore, it has been classified as a Variant of Uncertain Significance.

NM_000051.4(ATM):c.1247C>T (p.Ala416Val)

Gene: ATM (ATM serine/threonine kinase; plus strand). Cytogenetic location: 11q22.3.
Variant type: single nucleotide variant.
Coding change: c.1247C>T on transcript NM_000051.4 (MANE Select); coding-DNA position 1247, C replaced by T.
Protein change: p.Ala416Val; replaces alanine 416 with valine.
Molecular consequence: missense variant.
Genome position (GRCh38, 1-based): chr11:108,250,712, C>T. VCF-style: chr11-108250712-C-T. GRCh37 (hg19) VCF-style: chr11-108121439-C-T.
Other names: c.1247C>T, p.Ala416Val (NM_001351834.2); short protein forms A416V.
Identifiers: ClinVar variation 1043409 (VCV001043409.8), dbSNP rs2080089501, ClinGen allele CA382533211.